The following is an entry in ClinVar:

NM_015192.4(PLCB1):c.379G>A (p.Ala127Thr)

Gene: PLCB1 (phospholipase C beta 1; plus strand). Cytogenetic location: 20p12.3.
Variant type: single nucleotide variant.
Coding change: c.379G>A on transcript NM_015192.4 (MANE Select); coding-DNA position 379, G replaced by A.
Protein change: p.Ala127Thr; replaces alanine 127 with threonine.
Molecular consequence: missense variant.
Genome position (GRCh38, 1-based): chr20:8,628,426, G>A. VCF-style: chr20-8628426-G-A. GRCh37 (hg19) VCF-style: chr20-8609073-G-A.
Other names: c.379G>A, p.Ala127Thr (NM_182734.3); short protein forms A127T.
Identifiers: ClinVar variation 1496411 (VCV001496411.7), dbSNP rs779377929, ClinGen allele CA9759660.
Genomic context (GRCh38, chr20:8,628,426, plus strand): 5'-TATGGGCCTGACCTCGTGAACATCTCCCATTTGAATCTCGTGGCTTTCCAAGAAGAAGTG[G>A]CCAAGGTATGGTGGATGGAAATTGCTAAAGCTTATCATCATGATCTGAATCCTTGAGCTA-3'
Protein context (NP_056007.1, residues 117-137): LNLVAFQEEV[Ala127Thr]KEWTNEVFSL

ClinVar aggregate classification (germline): Uncertain significance (1 of 4 stars; one submission).

Conditions:
Developmental and epileptic encephalopathy, 12 (DEE12). Identifiers: MedGen C3150988, MONDO:0013389, OMIM 613722.

Allele frequency attached by ClinVar (database versions not stated): TOPMed below 0.00001; ExAC 0.00001; gnomAD exomes 0.00001.
gnomAD v4.1: 1 of 1,614,014 alleles (0.000062%); no homozygotes.

Submission:

Labcorp Genetics (formerly Invitae), Labcorp
Classification: Uncertain significance for Developmental and epileptic encephalopathy, 12. Last evaluated: 2024-05-15. Review status: criteria provided, single submitter. Criteria: Invitae Variant Classification Sherloc (09022015). Collection method: clinical testing. Allele origin: germline.
Comment: This sequence change replaces alanine, which is neutral and non-polar, with threonine, which is neutral and polar, at codon 127 of the PLCB1 protein (p.Ala127Thr). This variant is present in population databases (rs779377929, gnomAD 0.01%). This variant has not been reported in the literature in individuals affected with PLCB1-related conditions. ClinVar contains an entry for this variant (Variation ID: 1496411). Advanced modeling of protein sequence and biophysical properties (such as structural, functional, and spatial information, amino acid conservation, physicochemical variation, residue mobility, and thermodynamic stability) performed at Invitae indicates that this missense variant is not expected to disrupt PLCB1 protein function with a negative predictive value of 80%. In summary, the available evidence is currently insufficient to determine the role of this variant in disease. Therefore, it has been classified as a Variant of Uncertain Significance.